The following is an entry in ClinVar:

ClinVar aggregate classification (germline): Conflicting classifications of pathogenicity. Review status: criteria provided, conflicting classifications (1 of 4 stars). 4 submissions from 4 submitters: Uncertain significance (2); Likely benign (1). 1 of the submissions does not count toward it. Last evaluated 2024-10-21.

Conditions:
Idiopathic Pulmonary Fibrosis. Also called: Idiopathic fibrosing alveolitis, chronic form; idiopathic fibrosing alveolitis. Identifiers: Orphanet 2032, MedGen C1800706, MeSH D054990, MONDO:0800504.
Dyskeratosis congenita, autosomal dominant 2. Identifiers: MedGen C3151443, MONDO:0013521, OMIM 613989.
Pulmonary fibrosis and/or bone marrow failure, Telomere-related, 1. Also called: PULMONARY FIBROSIS AND/OR BONE MARROW FAILURE SYNDROME, TELOMERE-RELATED, 1. Identifiers: Orphanet 88, MedGen C3553617, MONDO:0013878, OMIM 614742.
Dyskeratosis congenita. Identifiers: Orphanet 1775, MedGen C0265965, MONDO:0015780.

Allele frequency attached by ClinVar (database versions not stated): gnomAD exomes below 0.00001; gnomAD 0.00001; TOPMed 0.00001.
gnomAD v4.1: 6 of 1,613,024 alleles (0.00037%); highest among the groups gnomAD compares: East Asian, 0.0022%; no homozygotes.

Submissions (4):

Ambry Genetics
Classification: Uncertain significance for Dyskeratosis congenita. Last evaluated: 2024-10-21. Review status: criteria provided, single submitter. Criteria: Ambry Variant Classification Scheme 2023. Collection method: clinical testing. Allele origin: germline.
Comment: The p.D807N variant (also known as c.2419G>A), located in coding exon 8 of the TERT gene, results from a G to A substitution at nucleotide position 2419. The aspartic acid at codon 807 is replaced by asparagine, an amino acid with highly similar properties. This amino acid position is conserved. In addition, this alteration is predicted to be tolerated by in silico analysis. Based on the available evidence, the clinical significance of this variant remains unclear.

Labcorp Genetics (formerly Invitae), Labcorp
Classification: Likely benign for Dyskeratosis congenita, autosomal dominant 2; Idiopathic Pulmonary Fibrosis. Last evaluated: 2023-03-31. Review status: criteria provided, single submitter. Criteria: Invitae Variant Classification Sherloc (09022015). Collection method: clinical testing. Allele origin: germline.

Johns Hopkins Genomics, Johns Hopkins University
Classification: Uncertain significance for Pulmonary fibrosis and/or bone marrow failure, Telomere-related, 1. Last evaluated: 2023-03-13. Review status: criteria provided, single submitter. Criteria: ACMG Guidelines, 2015. Collection method: clinical testing. Allele origin: germline.
Comment: This TERT missense variant (rs1169312254) is rare (<0.1%) in a large population dataset (gnomAD v2.1.1: 2/279758 total alleles; 0.0007%; no homozygotes). It has been reported in ClinVar (Variation ID 973676) but has not been reported in the literature, to our knowledge. Two bioinformatic tools queried predict that this substitution would be tolerated, and the aspartic acid residue at this position is evolutionarily conserved across many of the species assessed, but several species have a different amino acid this position including some species with asparagine. We consider the clinical significance of c.2419G>A; p.Asp807Asn in TERT to be uncertain at this time.

UOSD Laboratory of Genetics & Genomics of Rare Diseases, Istituto Giannina Gaslini
Classification: Uncertain significance for Dyskeratosis congenita, autosomal dominant 2. Last evaluated: 2020-05-21. Review status: no assertion criteria provided. Collection method: clinical testing. Allele origin: germline. Affected: yes. Observed: 1 variant allele. Not counted in ClinVar's aggregate classification.

NM_198253.3(TERT):c.2419G>A (p.Asp807Asn)

Gene: TERT (telomerase reverse transcriptase; minus strand). Cytogenetic location: 5p15.33.
Variant type: single nucleotide variant.
Coding change: c.2419G>A on transcript NM_198253.3 (MANE Select); coding-DNA position 2419, G replaced by A.
Protein change: p.Asp807Asn; replaces aspartic acid 807 with asparagine.
Molecular consequence: missense variant.
Genome position (GRCh38, 1-based): chr5:1,271,168, C>T on the plus strand (G>A on the coding strand, the complement: TERT is on the minus strand). VCF-style: chr5-1271168-C-T. GRCh37 (hg19) VCF-style: chr5-1271283-C-T.
Other names: c.2419G>A, p.Asp807Asn (NM_001193376.3); short protein forms D807N.
Identifiers: ClinVar variation 973676 (VCV000973676.8), dbSNP rs1169312254, ClinGen allele CA359075759.
Genomic context (GRCh38, chr5:1,271,168, plus strand): 5'-ACCTGACTCACTTGCCCCTGATGCGCACGGCGTGGTGGCACATGAAGCGTAGGAAGACGT[C>T]GAAGAGGCCACTGCTGGCCTCATTCAGGGAGGAGCTCTGCGAAAGCAGACGGGAGACACA-3'
Protein context (NP_937983.2, residues 797-817): SLNEASSGLF[Asp807Asn]VFLRFMCHHA